The following is an entry in ClinVar:

ClinVar aggregate classification (germline): Pathogenic/Likely pathogenic. Review status: criteria provided, multiple submitters, no conflicts (2 of 4 stars). 13 submissions from 13 submitters: Pathogenic (10); Likely pathogenic (3). Last evaluated 2025-08-11.

Conditions:
Plasma factor XI deficiency.
F11-related disorder. Also called: F11-related condition.
Hereditary factor XI deficiency disease. Also called: Congenital factor XI deficiency; PLASMA THROMBOPLASTIN ANTECEDENT DEFICIENCY; PTA DEFICIENCY; ROSENTHAL SYNDROME. Identifiers: Orphanet 329, MedGen C0015523, MeSH D005173, MONDO:0012897, OMIM 612416.

Allele frequency attached by ClinVar (database versions not stated): gnomAD exomes 0.00001 and 0.00002; ExAC 0.00002; TOPMed 0.00002; gnomAD 0.00003; ESP Exome Variant Server 0.00008.
gnomAD v4.1: 30 of 1,613,548 alleles (0.0019%); highest among the groups gnomAD compares: Admixed American, 0.0083%; no homozygotes.

Submissions (13):

Labcorp Genetics (formerly Invitae), Labcorp
Classification: Pathogenic. Last evaluated: 2025-08-11. Review status: criteria provided, single submitter. Criteria: Invitae Variant Classification Sherloc (09022015). Collection method: clinical testing. Allele origin: germline.
Comment: This sequence change creates a premature translational stop signal (p.Arg497*) in the F11 gene. It is expected to result in an absent or disrupted protein product. Loss-of-function variants in F11 are known to be pathogenic (PMID: 23929304). This variant is present in population databases (rs375422404, gnomAD 0.003%). This premature translational stop signal has been observed in individual(s) with factor XI deficiency (PMID: 16835901, 26558335). ClinVar contains an entry for this variant (Variation ID: 280137). For these reasons, this variant has been classified as Pathogenic.

Revvity Omics, Revvity
Classification: Pathogenic for Hereditary factor XI deficiency disease. Last evaluated: 2025-01-30. Review status: criteria provided, single submitter. Criteria: ACMG Guidelines, 2015. Collection method: clinical testing. Allele origin: germline.

Natera, Inc.
Classification: Pathogenic for Plasma factor XI deficiency. Last evaluated: 2024-12-28. Review status: criteria provided, single submitter. Criteria: Natera Variant Classification Schema (03/2026). Collection method: clinical testing. Allele origin: germline.
Comment: The c.1489C>T variant in F11 is a nonsense variant predicted to introduce a stop codon at amino acid 497. This variant is expected to result in nonsense mediated decay, truncation, or a dysfunctional protein product. This variant is rare in the general population with a frequency below the threshold expected for the associated phenotype(s). This variant has been observed in one or more individuals affected with the associated recessive disease, as either homozygous or compound heterozygous with a second variant (PMID: 26558335). Given the available evidence, this variant is classified as Pathogenic.

Genomic Medicine Center of Excellence, King Faisal Specialist Hospital and Research Centre
Classification: Pathogenic for Hereditary factor XI deficiency disease. Last evaluated: 2024-03-29. Review status: criteria provided, single submitter. Criteria: ACMG Guidelines, 2015. Collection method: clinical testing. Allele origin: germline.

GeneDx
Classification: Pathogenic. Last evaluated: 2023-11-29. Review status: criteria provided, single submitter. Criteria: GeneDx Variant Classification Process June 2021. Collection method: clinical testing. Allele origin: germline. Affected: yes.
Comment: Identified in the heterozygous state or with a second F11 variant in individuals with features of factor XI deficiency in published literature (PMID: 16835901, 26558335, 32853555); Nonsense variant predicted to result in protein truncation or nonsense mediated decay in a gene for which loss of function is a known mechanism of disease; Not observed at significant frequency in large population cohorts (gnomAD); This variant is associated with the following publications: (PMID: 25525159, 31064749, 31589614, 16835901, 32853555, 26558335)

PreventionGenetics, part of Exact Sciences
Classification: Pathogenic for F11-related condition. Last evaluated: 2022-12-22. Review status: criteria provided, single submitter. Criteria: ACMG Guidelines, 2015. Collection method: clinical testing. Allele origin: germline.
Comment: The F11 c.1489C>T variant is predicted to result in premature protein termination (p.Arg497*). This variant has been reported in individuals with Factor XI deficiency (Mitchell et al. 2006. PubMed ID: 16835901; Table S3, Downes et al. 2019. PubMed ID: 31064749). This variant is reported in 0.0029% of alleles in individuals of Latino descent in gnomAD. In ClinVar, this variant is interpreted as likely pathogenic/pathogenic. Nonsense variants in F11 are expected to be pathogenic. This variant is interpreted as pathogenic.

Dasa
Classification: Pathogenic for Hereditary factor XI deficiency disease. Last evaluated: 2022-11-03. Review status: criteria provided, single submitter. Criteria: ACMG Guidelines, 2015. Collection method: clinical testing. Allele origin: germline. Observed: 1 variant allele.
Comment: The c.1489C>T;p.(Arg497*) variant creates a premature translational stop signal in the F11 gene. It is expected to result in an absent or disrupted protein product - PVS1. This sequence change has been observed in affected individual(s) and ClinVar contains an entry for this variant (Clinvar ID: 280137; PMID: 31064749, PMID: 16835901) - PS4. The variant is present at low allele frequencies population databases (rs375422404 – gnomAD 0.0001193%; ABraOM 0.000427 frequency) - PM2_supporting. In summary, the currently available evidence indicates that the variant is pathogenic.

Mendelics
Classification: Pathogenic for Hereditary factor XI deficiency disease. Last evaluated: 2022-05-04. Review status: criteria provided, single submitter. Criteria: Mendelics Assertion Criteria 2019. Collection method: clinical testing. Allele origin: germline.

NIHR Bioresource Rare Diseases, University of Cambridge
Classification: Likely pathogenic for Hereditary factor XI deficiency disease. Last evaluated: 2019-02-01. Review status: criteria provided, single submitter. Criteria: ACMG Guidelines, 2015. Collection method: research. Allele origin: unknown. Affected: yes. Observed: 2 heterozygotes. Study: ThromboGenomics.

Fulgent Genetics
Classification: Pathogenic for Hereditary factor XI deficiency disease. Last evaluated: 2018-10-31. Review status: criteria provided, single submitter. Criteria: ACMG Guidelines, 2015. Collection method: clinical testing. Allele origin: unknown.

ISTH-SSC Genomics in Thrombosis and Hemostasis, KU Leuven, Center for Molecular and Vascular Biology
Classification: Likely pathogenic for Hereditary factor XI deficiency disease. Review status: criteria provided, single submitter. Criteria: ACMG Guidelines, 2015. Collection method: clinical testing. Allele origin: unknown. Affected: yes. Observed: 1 heterozygote, 1 compound heterozygote.
Comment: GoldVariant submitter: Kathleen Freson Center for Molecular and Vascular Biology, Leuven, Belgium

Juno Genomics, Hangzhou Juno Genomics, Inc
Classification: Pathogenic for Hereditary factor XI deficiency disease. Review status: criteria provided, single submitter. Criteria: ACMG Guidelines, 2015. Collection method: clinical testing. Allele origin: germline.
Comment: Absent from controls (or at extremely low frequency if recessive) in Genome Aggregation Database.;Null variant in a gene where loss of function (LOF) is a known mechanism of disease.;For recessive disorders, detected in trans with a pathogenic variant.

UNC Molecular Genetics  Laboratory, University of North Carolina at Chapel Hill
Classification: Likely pathogenic for Hereditary factor XI deficiency disease. Review status: criteria provided, single submitter. Criteria: ACMG Guidelines, 2015. Collection method: research. Allele origin: germline. Affected: no. Observed: 1 variant allele. Study: NSIGHT-NC NEXUS.
Comment: The F11 c.1489C>T (p.R497*) nonsense variant is predicted to result in premature protein termination and/or nonsense-mediated decay. This variant has been reported previously as a single heterozygous variant in an individual with Factor XI deficiency (PMID: 16835901) and in the compound heterozygous state in an individual with Factor XI deficiency (PMID: 26558335).

Literature cited by the submitters: PubMed 23929304 (cited by Labcorp Genetics (formerly Invitae), Labcorp); PubMed 16835901 (cited by 3 submitters); PubMed 26558335 (cited by 3 submitters); PubMed 31064749 (cited by Dasa and NIHR Bioresource Rare Diseases, University of Cambridge); PubMed 34355501 (cited by ISTH-SSC Genomics in Thrombosis and Hemostasis, KU Leuven, Center for Molecular and Vascular Biology).

NM_000128.4(F11):c.1489C>T (p.Arg497Ter)

Genes: F11 (coagulation factor XI; plus strand), F11-AS1 (F11 antisense RNA 1; minus strand). Cytogenetic location: 4q35.2.
Variant type: single nucleotide variant.
Coding change: c.1489C>T on transcript NM_000128.4 (MANE Select); coding-DNA position 1489, C replaced by T.
Protein change: p.Arg497Ter; replaces arginine 497 with a stop codon.
Molecular consequence: nonsense.
Genome position (GRCh38, 1-based): chr4:186,286,423, C>T. VCF-style: chr4-186286423-C-T. GRCh37 (hg19) VCF-style: chr4-187207577-C-T.
Other names: short protein forms R497*.
Identifiers: ClinVar variation 280137 (VCV000280137.28), dbSNP rs375422404, ClinGen allele CA3164011.